The following is an entry in ClinVar:

ClinVar aggregate classification (germline): Uncertain significance (1 of 4 stars; one submission).

Conditions:
Hereditary spastic paraplegia 30. Identifiers: Orphanet 101010, MedGen C5235139, MONDO:0012476.
Neuropathy, hereditary sensory, type 2C. Also called: Hereditary sensory and autonomic neuropathy type IIC; KIF1A-Related HSAN2 (HSAN2C). Identifiers: Orphanet 970, MedGen C3280168, MONDO:0013634, OMIM 614213.
Intellectual disability, autosomal dominant 9 (NESCAVS). Also called: NESCAV SYNDROME; KIF1A-Related Neurodevelopmental Disorder. Identifiers: Orphanet 662367, MedGen C5393830, MONDO:0013656, OMIM 614255.

Allele frequency attached by ClinVar (database versions not stated): TOPMed 0.00001.
gnomAD v4.1: 54 of 1,609,736 alleles (0.0034%); highest among the groups gnomAD compares: Non-Finnish European, 0.0044%; no homozygotes.

Submission:

Labcorp Genetics (formerly Invitae), Labcorp
Classification: Uncertain significance for Hereditary spastic paraplegia 30; Neuropathy, hereditary sensory, type 2C; Intellectual disability, autosomal dominant 9. Last evaluated: 2025-03-17. Review status: criteria provided, single submitter. Criteria: Invitae Variant Classification Sherloc (09022015). Collection method: clinical testing. Allele origin: germline.
Comment: This sequence change replaces arginine, which is basic and polar, with tryptophan, which is neutral and slightly polar, at codon 702 of the KIF1A protein (p.Arg702Trp). This variant is present in population databases (rs767543598, gnomAD 0.002%). This missense change has been observed in individual(s) with clinical features of KIF1A-related conditions (PMID: 37849306). This variant is also known as c.2131C>T, p.Arg711Trp. ClinVar contains an entry for this variant (Variation ID: 850488). Invitae Evidence Modeling of protein sequence and biophysical properties (such as structural, functional, and spatial information, amino acid conservation, physicochemical variation, residue mobility, and thermodynamic stability) has been performed for this missense variant. However, the output from this modeling did not meet the statistical confidence thresholds required to predict the impact of this variant on KIF1A protein function. In summary, the available evidence is currently insufficient to determine the role of this variant in disease. Therefore, it has been classified as a Variant of Uncertain Significance.

Literature cited by the submitters: PubMed 37849306.

NM_001244008.2(KIF1A):c.2131C>T (p.Arg711Trp)

Gene: KIF1A (kinesin family member 1A; minus strand). Cytogenetic location: 2q37.3.
Variant type: single nucleotide variant.
Coding change: c.2131C>T on transcript NM_001244008.2 (MANE Select); coding-DNA position 2131, C replaced by T.
Protein change: p.Arg711Trp; replaces arginine 711 with tryptophan.
Molecular consequence: missense variant.
Genome position (GRCh38, 1-based): chr2:240,761,363, G>A on the plus strand (C>T on the coding strand, the complement: KIF1A is on the minus strand). VCF-style: chr2-240761363-G-A. GRCh37 (hg19) VCF-style: chr2-241700780-G-A.
Other names: c.2131C>T, p.Arg711Trp (NM_001320705.2, NM_001330289.2, NM_001379638.1); c.2206C>T, p.Arg736Trp (NM_001330290.2, NM_001379631.1, NM_001379634.1 and 2 more transcripts); c.2104C>T, p.Arg702Trp (NM_001379632.1, NM_001379633.1, NM_001379636.1 and 10 more transcripts); c.2179C>T, p.Arg727Trp (NM_001379637.1, NM_001379648.1); short protein forms R736W, R702W, R711W, R727W.
Identifiers: ClinVar variation 850488 (VCV000850488.8), dbSNP rs767543598, ClinGen allele CA2208177.